The following is an entry in ClinVar:

ClinVar aggregate classification (germline): Uncertain significance. Review status: criteria provided, multiple submitters, no conflicts (2 of 4 stars). 2 submissions from 2 submitters: Uncertain significance (2). Last evaluated 2024-12-16.

Conditions:
Inborn genetic diseases. Identifiers: MedGen C0950123, MeSH D030342.

Allele frequency attached by ClinVar (database versions not stated): TOPMed below 0.00001; gnomAD exomes 0.00001.
gnomAD v4.1: 13 of 1,549,642 alleles (0.00084%); highest among the groups gnomAD compares: Non-Finnish European, 0.0011%; no homozygotes.

Submissions (2):

Labcorp Genetics (formerly Invitae), Labcorp
Classification: Uncertain significance. Last evaluated: 2024-12-16. Review status: criteria provided, single submitter. Criteria: Invitae Variant Classification Sherloc (09022015). Collection method: clinical testing. Allele origin: germline.
Comment: This sequence change replaces proline, which is neutral and non-polar, with serine, which is neutral and polar, at codon 9 of the DCHS1 protein (p.Pro9Ser). This variant is not present in population databases (gnomAD no frequency). This variant has not been reported in the literature in individuals affected with DCHS1-related conditions. ClinVar contains an entry for this variant (Variation ID: 1907243). Invitae Evidence Modeling of protein sequence and biophysical properties (such as structural, functional, and spatial information, amino acid conservation, physicochemical variation, residue mobility, and thermodynamic stability) indicates that this missense variant is not expected to disrupt DCHS1 protein function with a negative predictive value of 95%. In summary, the available evidence is currently insufficient to determine the role of this variant in disease. Therefore, it has been classified as a Variant of Uncertain Significance.

Ambry Genetics
Classification: Uncertain significance for Inborn genetic diseases. Last evaluated: 2024-11-10. Review status: criteria provided, single submitter. Criteria: Ambry Variant Classification Scheme 2023. Collection method: clinical testing. Allele origin: germline.

NM_003737.4(DCHS1):c.25C>T (p.Pro9Ser)

Gene: DCHS1 (dachsous cadherin-related 1; minus strand). Cytogenetic location: 11p15.4.
Variant type: single nucleotide variant.
Coding change: c.25C>T on transcript NM_003737.4 (MANE Select); coding-DNA position 25, C replaced by T.
Protein change: p.Pro9Ser; replaces proline 9 with serine.
Molecular consequence: missense variant.
Genome position (GRCh38, 1-based): chr11:6,641,589, G>A on the plus strand (C>T on the coding strand, the complement: DCHS1 is on the minus strand). VCF-style: chr11-6641589-G-A. GRCh37 (hg19) VCF-style: chr11-6662820-G-A.
Other names: c.25C>T (NM_003737.2); short protein forms P9S.
Identifiers: ClinVar variation 1907243 (VCV001907243.6), dbSNP rs1226465640, ClinGen allele CA379444861.
Genomic context (GRCh38, chr11:6,641,589, plus strand): 5'-GCAGCAGCAGCAATGGTAGCAGGAGGTGGGGCCTGGGGCTCTTCATGCCAGGGCAGGAAG[G>A]CACAATGCCCAGCTCCTTCTGCATGACAAGGGTAGTCCAGCTGTGCCTTGGGCTCCAGCT-3'
Protein context (NP_003728.1, residues 1-19): MQKELGIV[Pro9Ser]SCPGMKSPRP